The following is an entry in ClinVar:

NM_152381.6(XIRP2):c.7290C>T (p.Pro2430=)

Gene: XIRP2 (xin actin binding repeat containing 2; plus strand). Cytogenetic location: 2q24.3.
Variant type: single nucleotide variant.
Coding change: c.7290C>T on transcript NM_152381.6 (MANE Select); coding-DNA position 7290, C replaced by T.
Protein change: p.Pro2430=; no amino-acid change (proline 2430 retained).
Molecular consequence: synonymous variant. On other transcripts: intron variant (3).
Genome position (GRCh38, 1-based): chr2:167,248,682, C>T. VCF-style: chr2-167248682-C-T. GRCh37 (hg19) VCF-style: chr2-168105192-C-T.
Other names: c.6624C>T, p.Pro2208= (NM_001199144.2); c.1276-5350C>T (NM_001199143.2); c.1177-5350C>T (NM_001079810.4); c.511-5350C>T (NM_001199145.2).
Identifiers: ClinVar variation 3045406 (VCV003045406.2), dbSNP rs370447274, ClinGen allele CA1947581.

ClinVar aggregate classification (germline): Likely benign (0 of 4 stars; one submission).

Conditions:
XIRP2-related disorder. Also called: XIRP2-related condition.

Allele frequency attached by ClinVar (database versions not stated): ESP Exome Variant Server 0.00017; 1000 Genomes Project 0.00020; 1000 Genomes Project 30x 0.00031; ExAC 0.00031; gnomAD 0.00041; gnomAD exomes 0.00050; TOPMed 0.00062.
gnomAD v4.1: 778 of 1,613,720 alleles (0.048%); highest among the groups gnomAD compares: Admixed American, 0.11%; 2 homozygotes.

Submission:

PreventionGenetics, part of Exact Sciences
Classification: Likely benign for XIRP2-related condition. Last evaluated: 2019-02-22. Review status: no assertion criteria provided. Collection method: clinical testing. Allele origin: germline.
Comment: This variant is classified as likely benign based on ACMG/AMP sequence variant interpretation guidelines (Richards et al. 2015 PMID: 25741868, with internal and published modifications).